The following is an entry in ClinVar:

ClinVar aggregate classification (germline): Uncertain significance (1 of 4 stars; one submission).

Allele frequency attached by ClinVar (database versions not stated): gnomAD 0.00001; TOPMed below 0.00001.
gnomAD v4.1: 1 of 1,614,076 alleles (0.000062%); highest among the groups gnomAD compares: African/African-American, 0.0013%; no homozygotes.

Submission:

Labcorp Genetics (formerly Invitae), Labcorp
Classification: Uncertain significance. Last evaluated: 2025-03-18. Review status: criteria provided, single submitter. Criteria: Invitae Variant Classification Sherloc (09022015). Collection method: clinical testing. Allele origin: germline.
Comment: This sequence change replaces arginine, which is basic and polar, with lysine, which is basic and polar, at codon 364 of the VAV1 protein (p.Arg364Lys). This variant is present in population databases (no rsID available, gnomAD 0.01%). This variant has not been reported in the literature in individuals affected with VAV1-related conditions. ClinVar contains an entry for this variant (Variation ID: 2046680). An algorithm developed to predict the effect of missense changes on protein structure and function (PolyPhen-2) suggests that this variant is likely to be tolerated. In summary, the available evidence is currently insufficient to determine the role of this variant in disease. Therefore, it has been classified as a Variant of Uncertain Significance.

NM_005428.4(VAV1):c.1091G>A (p.Arg364Lys)

Gene: VAV1 (vav guanine nucleotide exchange factor 1; plus strand). Cytogenetic location: 19p13.3.
Variant type: single nucleotide variant.
Coding change: c.1091G>A on transcript NM_005428.4 (MANE Select); coding-DNA position 1091, G replaced by A.
Protein change: p.Arg364Lys; replaces arginine 364 with lysine.
Molecular consequence: missense variant.
Genome position (GRCh38, 1-based): chr19:6,828,486, G>A. VCF-style: chr19-6828486-G-A. GRCh37 (hg19) VCF-style: chr19-6828497-G-A.
Other names: c.1091G>A, p.Arg364Lys (NM_001258206.2); c.995G>A, p.Arg332Lys (NM_001258207.2); short protein forms R364K, R332K.
Identifiers: ClinVar variation 2046680 (VCV002046680.4), dbSNP rs1351334791, ClinGen allele CA403621441.
Genomic context (GRCh38, chr19:6,828,486, plus strand): 5'-TGAAACACACGCAGGAGGCGATGGAGAAGGAGAACCTGCGGCTGGCCCTGGATGCCATGA[G>A]GGTGAGTGGGTGTAGGGTGCTGGTGACTCACCTGCTGCAGACACCCTCCTGGTAGGGGCT-3'
Protein context (NP_005419.2, residues 354-374): ENLRLALDAM[Arg364Lys]DLAQCVNEVK